The following is an entry in ClinVar:

ClinVar aggregate classification (germline): Uncertain significance (1 of 4 stars; one submission).

Conditions:
Neuroblastoma, susceptibility to, 3. Also called: ALK-Related Neuroblastic Tumor Susceptibility. Identifiers: Orphanet 635, MedGen C2751681, MONDO:0013083, OMIM 613014.

Submission:

Labcorp Genetics (formerly Invitae), Labcorp
Classification: Uncertain significance for Neuroblastoma, susceptibility to, 3. Last evaluated: 2024-12-17. Review status: criteria provided, single submitter. Criteria: Invitae Variant Classification Sherloc (09022015). Collection method: clinical testing. Allele origin: germline.
Comment: This sequence change replaces cysteine, which is neutral and slightly polar, with serine, which is neutral and polar, at codon 266 of the ALK protein (p.Cys266Ser). This variant is not present in population databases (gnomAD no frequency). This variant has not been reported in the literature in individuals affected with ALK-related conditions. An algorithm developed to predict the effect of missense changes on protein structure and function (PolyPhen-2) suggests that this variant is likely to be disruptive. In summary, the available evidence is currently insufficient to determine the role of this variant in disease. Therefore, it has been classified as a Variant of Uncertain Significance.

NM_004304.5(ALK):c.796T>A (p.Cys266Ser)

Gene: ALK (ALK receptor tyrosine kinase; minus strand). Cytogenetic location: 2p23.2.
Variant type: single nucleotide variant.
Coding change: c.796T>A on transcript NM_004304.5 (MANE Select); coding-DNA position 796, T replaced by A.
Protein change: p.Cys266Ser; replaces cysteine 266 with serine.
Molecular consequence: missense variant.
Genome position (GRCh38, 1-based): chr2:29,695,006, A>T on the plus strand (T>A on the coding strand, the complement: ALK is on the minus strand). VCF-style: chr2-29695006-A-T. GRCh37 (hg19) VCF-style: chr2-29917872-A-T.
Other names: short protein forms C266S.
Identifiers: ClinVar variation 3658944 (VCV003658944.2).